The following is an entry in ClinVar:

NM_032043.3(BRIP1):c.1318G>C (p.Ala440Pro)

Gene: BRIP1 (BRCA1 interacting DNA helicase 1; minus strand). Cytogenetic location: 17q23.2.
Variant type: single nucleotide variant.
Coding change: c.1318G>C on transcript NM_032043.3 (MANE Select); coding-DNA position 1318, G replaced by C.
Protein change: p.Ala440Pro; replaces alanine 440 with proline.
Molecular consequence: missense variant.
Genome position (GRCh38, 1-based): chr17:61,799,122, C>G on the plus strand (G>C on the coding strand, the complement: BRIP1 is on the minus strand). VCF-style: chr17-61799122-C-G. GRCh37 (hg19) VCF-style: chr17-59876483-C-G.
Other names: short protein forms A440P.
Identifiers: ClinVar variation 1769834 (VCV001769834.3), dbSNP rs2145300568, ClinGen allele CA400483404.
Genomic context (GRCh38, chr17:61,799,122, plus strand): 5'-AAGGCAGCACAAATACACTAATAGACAAATCTTCTTACTTAATGAGGCTACAGCACACAG[C>G]TCGTAGGGGTTCATGATCTTTCTTCCTTATATTATTGTTGACCATACTATCTAGTTCATC-3'
Protein context (NP_114432.2, residues 430-450): IRKKDHEPLR[Ala440Pro]VCCSLINWLE

ClinVar aggregate classification (germline): Uncertain significance (1 of 4 stars; one submission).

Conditions:
Hereditary cancer-predisposing syndrome. Also called: Hereditary Cancer Syndrome; Hereditary neoplastic syndrome; Neoplastic Syndromes, Hereditary; Tumor predisposition. Identifiers: Orphanet 140162, MedGen C0027672, MeSH D009386, MONDO:0015356.

Submission:

Ambry Genetics
Classification: Uncertain significance for Hereditary cancer-predisposing syndrome. Last evaluated: 2024-05-16. Review status: criteria provided, single submitter. Criteria: Ambry Variant Classification Scheme 2023. Collection method: clinical testing. Allele origin: germline.
Comment: The p.A440P variant (also known as c.1318G>C), located in coding exon 8 of the BRIP1 gene, results from a G to C substitution at nucleotide position 1318. The alanine at codon 440 is replaced by proline, an amino acid with highly similar properties. This amino acid position is not well conserved in available vertebrate species. In addition, the in silico prediction for this alteration is inconclusive. Based on the available evidence, the clinical significance of this variant remains unclear.